The following is an entry in ClinVar:

NM_183075.3(CYP2U1):c.1264C>G (p.Pro422Ala)

Gene: CYP2U1 (cytochrome P450 family 2 subfamily U member 1; plus strand). Cytogenetic location: 4q25.
Variant type: single nucleotide variant.
Coding change: c.1264C>G on transcript NM_183075.3 (MANE Select); coding-DNA position 1264, C replaced by G.
Protein change: p.Pro422Ala; replaces proline 422 with alanine.
Molecular consequence: missense variant.
Genome position (GRCh38, 1-based): chr4:107,947,513, C>G. VCF-style: chr4-107947513-C-G. GRCh37 (hg19) VCF-style: chr4-108868669-C-G.
Other names: short protein forms P422A.
Identifiers: ClinVar variation 1433590 (VCV001433590.6), dbSNP rs1733742814, ClinGen allele CA357838685.

ClinVar aggregate classification (germline): Uncertain significance (1 of 4 stars; one submission).

Conditions:
Spastic paraplegia. Identifiers: MedGen C0037772, HP:0001258.

Allele frequency attached by ClinVar (database versions not stated): gnomAD exomes below 0.00001.
gnomAD v4.1: 1 of 1,614,034 alleles (0.000062%); highest among the groups gnomAD compares: Admixed American, 0.0017%; no homozygotes.

Submission:

Labcorp Genetics (formerly Invitae), Labcorp
Classification: Uncertain significance for Spastic paraplegia. Last evaluated: 2022-06-13. Review status: criteria provided, single submitter. Criteria: Invitae Variant Classification Sherloc (09022015). Collection method: clinical testing. Allele origin: germline.
Comment: This sequence change replaces proline, which is neutral and non-polar, with alanine, which is neutral and non-polar, at codon 422 of the CYP2U1 protein (p.Pro422Ala). This variant is not present in population databases (gnomAD no frequency). This variant has not been reported in the literature in individuals affected with CYP2U1-related conditions. Advanced modeling of protein sequence and biophysical properties (such as structural, functional, and spatial information, amino acid conservation, physicochemical variation, residue mobility, and thermodynamic stability) performed at Invitae indicates that this missense variant is not expected to disrupt CYP2U1 protein function. In summary, the available evidence is currently insufficient to determine the role of this variant in disease. Therefore, it has been classified as a Variant of Uncertain Significance.